The following is an entry in ClinVar:

NM_001177701.3(IFT27):c.86G>A (p.Gly29Glu)

Gene: IFT27 (intraflagellar transport 27; minus strand). Cytogenetic location: 22q12.3.
Variant type: single nucleotide variant.
Coding change: c.86G>A on transcript NM_001177701.3 (MANE Select); coding-DNA position 86, G replaced by A.
Protein change: p.Gly29Glu; replaces glycine 29 with glutamic acid.
Molecular consequence: missense variant.
Genome position (GRCh38, 1-based): chr22:36,767,811, C>T on the plus strand (G>A on the coding strand, the complement: IFT27 is on the minus strand). VCF-style: chr22-36767811-C-T. GRCh37 (hg19) VCF-style: chr22-37163855-C-T.
Other names: c.86G>A, p.Gly29Glu (NM_001363003.2); c.83G>A, p.Gly28Glu (NM_006860.5); short protein forms G29E, G28E.
Identifiers: ClinVar variation 4977097 (VCV004977097.1).

ClinVar aggregate classification (germline): Uncertain significance (1 of 4 stars; one submission).

Conditions:
IFT27-related disorder. Also called: IFT27-related condition.

Submission:

PreventionGenetics, part of Exact Sciences
Classification: Uncertain significance for IFT27-related condition. Last evaluated: 2025-10-06. Review status: criteria provided, single submitter. Criteria: ACMG Guidelines, 2015. Collection method: clinical testing. Allele origin: germline.
Comment: The IFT27 c.83G>A variant is predicted to result in the amino acid substitution p.Gly28Glu. To our knowledge, this variant has not been reported in the literature. This variant is reported in 0.011% of alleles in individuals of African descent in gnomAD. At this time, the clinical significance of this variant is uncertain due to the absence of conclusive functional and genetic evidence.